The following is an entry in ClinVar:

ClinVar aggregate classification (germline): Likely benign. Review status: criteria provided, multiple submitters, no conflicts (2 of 4 stars). 2 submissions from 2 submitters: Likely benign (2). Last evaluated 2018-06-16.

Allele frequency attached by ClinVar (database versions not stated): 1000 Genomes Project 30x 0.00453; 1000 Genomes Project 0.00479; TOPMed 0.00977; gnomAD 0.01127 and 0.01175; gnomAD exomes 0.01517.
gnomAD v4.1: 15,765 of 1,085,898 alleles (1.5%); highest among the groups gnomAD compares: Non-Finnish European, 1.7%; 177 homozygotes.

Submissions (2):

GeneDx
Classification: Likely benign. Last evaluated: 2018-06-16. Review status: criteria provided, single submitter. Criteria: GeneDx Variant Classification (06012015). Collection method: clinical testing. Allele origin: germline. Affected: yes.
Comment: This variant is considered likely benign or benign based on one or more of the following criteria: it is a conservative change, it occurs at a poorly conserved position in the protein, it is predicted to be benign by multiple in silico algorithms, and/or has population frequency not consistent with disease.

Breakthrough Genomics
Classification: Likely benign. Review status: criteria provided, single submitter. Criteria: ACMG Guidelines, 2015. Collection method: not provided. Allele origin: germline. Inheritance: Autosomal recessive inheritance. Affected: yes.

NM_182961.4(SYNE1):c.23019+108C>T

Gene: SYNE1 (spectrin repeat containing nuclear envelope protein 1; minus strand). Cytogenetic location: 6q25.2.
Variant type: single nucleotide variant.
Coding change: c.23019+108C>T on transcript NM_182961.4 (MANE Select); 108 bases into the intron after coding-DNA position 23019, C replaced by T.
Molecular consequence: intron variant.
Genome position (GRCh38, 1-based): chr6:152,206,060, G>A on the plus strand (C>T on the coding strand, the complement: SYNE1 is on the minus strand). VCF-style: chr6-152206060-G-A. GRCh37 (hg19) VCF-style: chr6-152527195-G-A.
Other names: c.22806+108C>T (NM_033071.5).
Identifiers: ClinVar variation 676352 (VCV000676352.2), dbSNP rs117231794, ClinGen allele CA150171289.